The following is an entry in ClinVar:

ClinVar aggregate classification (germline): Conflicting classifications of pathogenicity. Review status: criteria provided, conflicting classifications (1 of 4 stars). 3 submissions from 3 submitters: Uncertain significance (2); Likely benign (1). Last evaluated 2025-09-27.

Conditions:
COL11A2-related disorder. Also called: COL11A2-related disorders; COL11A2-related condition.

Submissions (3):

Labcorp Genetics (formerly Invitae), Labcorp
Classification: Uncertain significance. Last evaluated: 2025-09-27. Review status: criteria provided, single submitter. Criteria: Invitae Variant Classification Sherloc (09022015). Collection method: clinical testing. Allele origin: germline.
Comment: This sequence change falls in intron 1 of the COL11A2 gene. It does not directly change the encoded amino acid sequence of the COL11A2 protein. It affects a nucleotide within the consensus splice site. This variant is not present in population databases (gnomAD no frequency). This variant has not been reported in the literature in individuals affected with COL11A2-related conditions. Variants that disrupt the consensus splice site are a relatively common cause of aberrant splicing (PMID: 17576681, 9536098). Algorithms developed to predict the effect of sequence changes on RNA splicing suggest that this variant is not likely to affect RNA splicing. In summary, the available evidence is currently insufficient to determine the role of this variant in disease. Therefore, it has been classified as a Variant of Uncertain Significance.

PreventionGenetics, part of Exact Sciences
Classification: Likely benign for COL11A2-related condition. Last evaluated: 2025-07-18. Review status: criteria provided, single submitter. Criteria: ACMG Guidelines, 2015. Collection method: clinical testing. Allele origin: germline.
Comment: This variant is classified as likely benign based on ACMG/AMP sequence variant interpretation guidelines (Richards et al. 2015 PMID: 25741868, with internal and published modifications).

GeneDx
Classification: Uncertain significance. Last evaluated: 2023-07-12. Review status: criteria provided, single submitter. Criteria: GeneDx Variant Classification Process June 2021. Collection method: clinical testing. Allele origin: germline. Affected: yes.
Comment: Not observed at significant frequency in large population cohorts (gnomAD); Has not been previously published as pathogenic or benign to our knowledge; In silico analysis supports that this variant does not alter splicing

Literature cited by the submitters: PubMed 17576681 (cited by Labcorp Genetics (formerly Invitae), Labcorp); PubMed 9536098 (cited by Labcorp Genetics (formerly Invitae), Labcorp).

NM_080680.3(COL11A2):c.82+6_82+7del

Gene: COL11A2 (collagen type XI alpha 2 chain; minus strand). Cytogenetic location: 6p21.32.
Variant type: Microsatellite.
Coding change: c.82+6_82+7del on transcript NM_080680.3 (MANE Select); bases 6 to 7 of the intron after coding-DNA position 82, 2 bases deleted (AG; older notation c.82+6_82+7delAG).
Molecular consequence: intron variant.
Genome position (GRCh38, 1-based): chr6:33,192,152-33,192,153, CT deleted on the plus strand (AG on the coding strand, the reverse complement: COL11A2 is on the minus strand); deleting any 2 consecutive bases within chr6:33,192,152-33,192,155 gives the same sequence; the c. name uses the placement nearest the transcript's 3' end. VCF-style (leftmost placement, unchanged base first): chr6-33192151-CCT-C. GRCh37 (hg19) VCF-style: chr6-33159928-CCT-C.
Other names: c.82+6_82+7delAG (NM_080680.2); c.82+6_82+7del (NM_080679.3, NM_080681.3, NM_001163771.2).
Identifiers: ClinVar variation 1209237 (VCV001209237.13), dbSNP rs1241681013, ClinGen allele CA566410335.
Genomic context (GRCh38, chr6:33,192,151, plus strand): 5'-GCCCCTTCCCAGAGACACTCAGAGCTCCAGCCTGACTCCGAGGACCCAGGCATCAGGACT[CCT>C]CTTACCTGCCCAGCCTGGGGCCGCGCTCAGCCCCAGCACCAGAGGTAGGAGGAGGAGGAG-3'